The following is an entry in ClinVar:

ClinVar aggregate classification (germline): Uncertain significance. Review status: criteria provided, single submitter (1 of 4 stars). 2 submissions from 2 submitters: Uncertain significance (1). 1 of the submissions does not count toward it. Last evaluated 2026-01-12.

Conditions:
Cystic fibrosis (CF). Also called: MUCOVISCIDOSIS. Identifiers: Orphanet 586, MedGen C0010674, MONDO:0009061, OMIM 219700. Disease mechanism: loss of function.
CFTR-related disorder (CFTR-RD). Also called: CFTR-related disorders; CFTR-related condition. Identifiers: MedGen C5924204, MONDO:7770004.

gnomAD v4.1: 2 of 1,613,582 alleles (0.00012%); highest among the groups gnomAD compares: Admixed American, 0.0017%; no homozygotes.

Submissions (2):

Labcorp Genetics (formerly Invitae), Labcorp
Classification: Uncertain significance for Cystic fibrosis. Last evaluated: 2026-01-12. Review status: criteria provided, single submitter. Criteria: Invitae Variant Classification Sherloc (09022015). Collection method: clinical testing. Allele origin: germline.
Comment: This sequence change replaces serine, which is neutral and polar, with leucine, which is neutral and non-polar, at codon 308 of the CFTR protein (p.Ser308Leu). This variant is not present in population databases (gnomAD no frequency). This variant has not been reported in the literature in individuals affected with CFTR-related conditions. ClinVar contains an entry for this variant (Variation ID: 4064583). Invitae Evidence Modeling of protein sequence and biophysical properties (such as structural, functional, and spatial information, amino acid conservation, physicochemical variation, residue mobility, and thermodynamic stability) indicates that this missense variant is not expected to disrupt CFTR protein function with a negative predictive value of 80%. In summary, the available evidence is currently insufficient to determine the role of this variant in disease. Therefore, it has been classified as a Variant of Uncertain Significance.

Natera, Inc.
Classification: Uncertain significance for CFTR-related disorders. Last evaluated: 2025-02-23. Review status: no assertion criteria provided. Collection method: clinical testing. Allele origin: germline. Not counted in ClinVar's aggregate classification.

NM_000492.4(CFTR):c.923C>T (p.Ser308Leu)

Gene: CFTR (CF transmembrane conductance regulator; plus strand). Cytogenetic location: 7q31.2.
Variant type: single nucleotide variant.
Coding change: c.923C>T on transcript NM_000492.4 (MANE Select); coding-DNA position 923, C replaced by T.
Protein change: p.Ser308Leu; replaces serine 308 with leucine.
Molecular consequence: missense variant.
Genome position (GRCh38, 1-based): chr7:117,540,153, C>T. VCF-style: chr7-117540153-C-T. GRCh37 (hg19) VCF-style: chr7-117180207-C-T.
Other names: short protein forms S308L.
Identifiers: ClinVar variation 4064583 (VCV004064583.2).